The following is an entry in ClinVar:

ClinVar aggregate classification (germline): Likely benign (1 of 4 stars; one submission).

Conditions:
GNPTG-mucolipidosis. Also called: ML III GAMMA; ML IIIC; MUCOLIPIDOSIS III, COMPLEMENTATION GROUP C; MUCOLIPIDOSIS III, IRANIAN VARIANT FORM; MUCOLIPIDOSIS III, VARIANT FORM; Mucolipidosis type III gamma. Identifiers: Orphanet 423470, Orphanet 577, MedGen C1854896, MONDO:0009652, OMIM 252605.

Allele frequency attached by ClinVar (database versions not stated): ESP Exome Variant Server 0.00008; gnomAD 0.00029 and 0.00042; TOPMed 0.00031; gnomAD exomes 0.00071; ExAC 0.00075; 1000 Genomes Project 30x 0.00219; 1000 Genomes Project 0.00260.
gnomAD v4.1: 431 of 1,603,036 alleles (0.027%); highest among the groups gnomAD compares: East Asian, 0.43%; 3 homozygotes.

Submission:

Illumina Laboratory Services, Illumina
Classification: Likely benign for GNPTG-mucolipidosis. Last evaluated: 2018-01-12. Review status: criteria provided, single submitter. Criteria: ICSL Variant Classification Criteria 13 December 2019. Collection method: clinical testing. Allele origin: germline.
Comment: This variant was observed in the ICSL laboratory as part of a predisposition screen in an ostensibly healthy population. It had not been previously curated by ICSL or reported in the Human Gene Mutation Database (HGMD: prior to June 1st, 2018), and was therefore a candidate for classification through an automated scoring system. Utilizing variant allele frequency, disease prevalence and penetrance estimates, and inheritance mode, an automated score was calculated to assess if this variant is too frequent to cause the disease. Based on the score and internal cut-off values, a variant classified as likely benign is not then subjected to further curation. The score for this variant resulted in a classification of likely benign for this disease.

NM_032520.5(GNPTG):c.*27C>T

Gene: GNPTG (N-acetylglucosamine-1-phosphate transferase subunit gamma; plus strand). Cytogenetic location: 16p13.3.
Variant type: single nucleotide variant.
Coding change: c.*27C>T on transcript NM_032520.5 (MANE Select); 27 bases downstream of the stop codon, C replaced by T.
Molecular consequence: 3 prime UTR variant.
Genome position (GRCh38, 1-based): chr16:1,363,118, C>T. VCF-style: chr16-1363118-C-T. GRCh37 (hg19) VCF-style: chr16-1413119-C-T.
Identifiers: ClinVar variation 317896 (VCV000317896.5), dbSNP rs189677035, ClinGen allele CA7808042.